The following is an entry in ClinVar:

NM_015271.5(TRIM2):c.962G>A (p.Arg321Gln)

Gene: TRIM2 (tripartite motif containing 2; plus strand). Cytogenetic location: 4q31.3.
Variant type: single nucleotide variant.
Coding change: c.962G>A on transcript NM_015271.5 (MANE Select); coding-DNA position 962, G replaced by A.
Protein change: p.Arg321Gln; replaces arginine 321 with glutamine.
Molecular consequence: missense variant.
Genome position (GRCh38, 1-based): chr4:153,295,488, G>A. VCF-style: chr4-153295488-G-A. GRCh37 (hg19) VCF-style: chr4-154216640-G-A.
Other names: c.881G>A, p.Arg294Gln (NM_001130067.2, NM_001351056.2, NM_001375512.1 and 5 more transcripts); c.935G>A, p.Arg312Gln (NM_001351054.2); c.932G>A, p.Arg311Gln (NM_001351055.2); c.506G>A, p.Arg169Gln (NM_001351057.2); c.1055G>A, p.Arg352Gln (NM_001375488.1); c.1052G>A, p.Arg351Gln (NM_001375489.1); c.905G>A, p.Arg302Gln (NM_001375490.1); c.902G>A, p.Arg301Gln (NM_001375491.1); and 4 more; short protein forms R352Q, R209Q, R302Q, R169Q, R208Q, R311Q, R312Q, R210Q.
Identifiers: ClinVar variation 1423994 (VCV001423994.10), dbSNP rs368629463, ClinGen allele CA3108663.

ClinVar aggregate classification (germline): Uncertain significance. Review status: criteria provided, multiple submitters, no conflicts (2 of 4 stars). 2 submissions from 2 submitters: Uncertain significance (2). Last evaluated 2025-05-18.

Conditions:
Charcot-Marie-Tooth disease type 2R. Also called: CHARCOT-MARIE-TOOTH DISEASE, AXONAL, AUTOSOMAL RECESSIVE, TYPE 2R; Charcot-Marie-Tooth disease, axonal, type 2R; CHARCOT-MARIE-TOOTH NEUROPATHY, TYPE 2R. Identifiers: Orphanet 397968, MedGen C3809655, MONDO:0014208, OMIM 615490.

Allele frequency attached by ClinVar (database versions not stated): ExAC 0.00002; gnomAD exomes 0.00002 and 0.00003; gnomAD 0.00003 and 0.00004; TOPMed 0.00003; ESP Exome Variant Server 0.00008.
gnomAD v4.1: 41 of 1,614,038 alleles (0.0025%); highest among the groups gnomAD compares: Non-Finnish European, 0.0031%; no homozygotes.

Submissions (2):

Ambry Genetics
Classification: Uncertain significance. Last evaluated: 2025-05-18. Review status: criteria provided, single submitter. Criteria: Ambry Variant Classification Scheme 2023. Collection method: clinical testing. Allele origin: germline.

Labcorp Genetics (formerly Invitae), Labcorp
Classification: Uncertain significance for Charcot-Marie-Tooth disease type 2R. Last evaluated: 2024-12-31. Review status: criteria provided, single submitter. Criteria: Invitae Variant Classification Sherloc (09022015). Collection method: clinical testing. Allele origin: germline.
Comment: This sequence change replaces arginine, which is basic and polar, with glutamine, which is neutral and polar, at codon 294 of the TRIM2 protein (p.Arg294Gln). This variant is present in population databases (rs368629463, gnomAD 0.005%). This variant has not been reported in the literature in individuals affected with TRIM2-related conditions. ClinVar contains an entry for this variant (Variation ID: 1423994). An algorithm developed to predict the effect of missense changes on protein structure and function (PolyPhen-2) suggests that this variant is likely to be tolerated. In summary, the available evidence is currently insufficient to determine the role of this variant in disease. Therefore, it has been classified as a Variant of Uncertain Significance.